The following is an entry in ClinVar:

ClinVar aggregate classification (germline): Uncertain significance (1 of 4 stars; one submission).

Conditions:
PEX6-related disorder. Also called: PEX6-related disorders; PEX6-related condition.

Submission:

PreventionGenetics, part of Exact Sciences
Classification: Uncertain significance for PEX6-related condition. Last evaluated: 2025-12-30. Review status: criteria provided, single submitter. Criteria: ACMG Guidelines, 2015. Collection method: clinical testing. Allele origin: germline.
Comment: The PEX6 c.2888G>A variant is predicted to result in the amino acid substitution p.Ser963Asn. To our knowledge, this variant has not been reported in the literature or in a large population database (gnomAD), indicating this variant is rare. At this time, the clinical significance of this variant is uncertain due to the absence of conclusive functional and genetic evidence.

NM_000287.4(PEX6):c.2888G>A (p.Ser963Asn)

Gene: PEX6 (peroxisomal biogenesis factor 6; minus strand). Cytogenetic location: 6p21.1.
Variant type: single nucleotide variant.
Coding change: c.2888G>A on transcript NM_000287.4 (MANE Select); coding-DNA position 2888, G replaced by A.
Protein change: p.Ser963Asn; replaces serine 963 with asparagine.
Molecular consequence: missense variant. On other transcripts: non-coding transcript variant (1).
Genome position (GRCh38, 1-based): chr6:42,964,390, C>T on the plus strand (G>A on the coding strand, the complement: PEX6 is on the minus strand). VCF-style: chr6-42964390-C-T. GRCh37 (hg19) VCF-style: chr6-42932128-C-T.
Other names: c.2624G>A, p.Ser875Asn (NM_001316313.2); short protein forms S875N, S963N.
Identifiers: ClinVar variation 4992975 (VCV004992975.1).